The following is an entry in ClinVar:

NM_015450.3(POT1):c.187A>G (p.Ser63Gly)

Gene: POT1 (protection of telomeres 1; minus strand). Cytogenetic location: 7q31.33.
Variant type: single nucleotide variant.
Coding change: c.187A>G on transcript NM_015450.3 (MANE Select); coding-DNA position 187, A replaced by G.
Protein change: p.Ser63Gly; replaces serine 63 with glycine.
Molecular consequence: missense variant. On other transcripts: non-coding transcript variant (3), intron variant (1).
Genome position (GRCh38, 1-based): chr7:124,870,979, T>C on the plus strand (A>G on the coding strand, the complement: POT1 is on the minus strand). VCF-style: chr7-124870979-T-C. GRCh37 (hg19) VCF-style: chr7-124511033-T-C.
Other names: c.-138-7339A>G (NM_001042594.2); short protein forms S63G.
Identifiers: ClinVar variation 3226668 (VCV003226668.1), dbSNP rs2485505016, ClinGen allele CA369061519.

ClinVar aggregate classification (germline): Uncertain significance (1 of 4 stars; one submission).

Conditions:
Hereditary cancer-predisposing syndrome. Also called: Neoplastic Syndromes, Hereditary; Tumor predisposition; Hereditary neoplastic syndrome; Hereditary Cancer Syndrome. Identifiers: Orphanet 140162, MedGen C0027672, MeSH D009386, MONDO:0015356.

Submission:

Ambry Genetics
Classification: Uncertain significance for Hereditary cancer-predisposing syndrome. Last evaluated: 2023-10-26. Review status: criteria provided, single submitter. Criteria: Ambry Variant Classification Scheme 2023. Collection method: clinical testing. Allele origin: germline.
Comment: The p.S63G variant (also known as c.187A>G), located in coding exon 3 of the POT1 gene, results from an A to G substitution at nucleotide position 187. The serine at codon 63 is replaced by glycine, an amino acid with similar properties. This amino acid position is conserved. In addition, this alteration is predicted to be tolerated by in silico analysis. Since supporting evidence is limited at this time, the clinical significance of this alteration remains unclear.